The following is an entry in ClinVar:

ClinVar aggregate classification (germline): Uncertain significance (1 of 4 stars; one submission).

Submission:

GeneDx
Classification: Uncertain significance. Last evaluated: 2025-04-09. Review status: criteria provided, single submitter. Criteria: GeneDx Variant Classification Process June 2021. Collection method: clinical testing. Allele origin: germline. Affected: yes.
Comment: Not observed at significant frequency in large population cohorts (gnomAD); In silico analysis supports that this missense variant has a deleterious effect on protein structure/function; Has not been previously published as pathogenic or benign to our knowledge

NM_001160372.4(TRAPPC9):c.2984G>T (p.Gly995Val)

Gene: TRAPPC9 (trafficking protein particle complex subunit 9; minus strand). Cytogenetic location: 8q24.3.
Variant type: single nucleotide variant.
Coding change: c.2984G>T on transcript NM_001160372.4 (MANE Select); coding-DNA position 2984, G replaced by T.
Protein change: p.Gly995Val; replaces glycine 995 with valine.
Molecular consequence: missense variant. On other transcripts: non-coding transcript variant (1).
Genome position (GRCh38, 1-based): chr8:139,885,950, C>A on the plus strand (G>T on the coding strand, the complement: TRAPPC9 is on the minus strand). VCF-style: chr8-139885950-C-A. GRCh37 (hg19) VCF-style: chr8-140898194-C-A.
Other names: c.2957G>T, p.Gly986Val (NM_001321646.2); c.3005G>T, p.Gly1002Val (NM_001374682.1); c.2873G>T, p.Gly958Val (NM_001374683.1); c.2840G>T, p.Gly947Val (NM_001374684.1); c.2984G>T, p.Gly995Val (NM_031466.8); short protein forms G1002V, G947V, G958V, G986V, G995V.
Identifiers: ClinVar variation 4281705 (VCV004281705.1).